The following is an entry in ClinVar:

NM_025074.7(FRAS1):c.604-8G>A

Gene: FRAS1 (Fraser extracellular matrix complex subunit 1; plus strand). Cytogenetic location: 4q21.21.
Variant type: single nucleotide variant.
Coding change: c.604-8G>A on transcript NM_025074.7 (MANE Select); 8 bases into the intron before coding-DNA position 604, G replaced by A.
Molecular consequence: intron variant.
Genome position (GRCh38, 1-based): chr4:78,265,017, G>A. VCF-style: chr4-78265017-G-A. GRCh37 (hg19) VCF-style: chr4-79186171-G-A.
Other names: p.?; c.604-8G>A (NM_001166133.2).
Identifiers: ClinVar variation 261808 (VCV000261808.19), dbSNP rs2867014, ClinGen allele CA2976022.

ClinVar aggregate classification (germline): Benign. Review status: criteria provided, multiple submitters, no conflicts (2 of 4 stars). 9 submissions from 9 submitters: Benign (7). 2 of the submissions do not count toward it. Last evaluated 2026-02-04.

Conditions:
Fraser syndrome 1 (FRASRS1). Also called: CRYPTOPHTHALMOS WITH OTHER MALFORMATIONS. Identifiers: Orphanet 2052, MedGen C4551480, MONDO:0054737, OMIM 219000.

Allele frequency attached by ClinVar (database versions not stated): 1000 Genomes Project 30x 0.91989; 1000 Genomes Project 0.92212; TOPMed 0.93075; ESP Exome Variant Server 0.93556; gnomAD 0.93589 and 0.93910; ExAC 0.97409; gnomAD exomes 0.97714 and 0.99030.
gnomAD v4.1: 1,539,015 of 1,562,592 alleles (98%); highest among the groups gnomAD compares: Non-Finnish European, 100%; 759,364 homozygotes.

Submissions (10):

Labcorp Genetics (formerly Invitae), Labcorp
Classification: Benign. Last evaluated: 2026-02-04. Review status: criteria provided, single submitter. Criteria: Invitae Variant Classification Sherloc (09022015). Collection method: clinical testing. Allele origin: germline.

Blueprint Genetics
Classification: Benign. Last evaluated: 2024-11-26. Review status: criteria provided, single submitter. Criteria: ACMG Guidelines, 2015. Collection method: clinical testing. Allele origin: germline.

Mayo Clinic Laboratories, Mayo Clinic
Classification: Benign. Last evaluated: 2022-03-09. Review status: criteria provided, single submitter. Criteria: ACMG Guidelines, 2015. Collection method: clinical testing. Allele origin: germline. Observed: 76 variant alleles.

Genome-Nilou Lab
Classification: Benign for Fraser syndrome 1. Last evaluated: 2021-08-10. Review status: criteria provided, single submitter. Criteria: ACMG Guidelines, 2015. Collection method: clinical testing. Allele origin: germline. Affected: no.

Illumina Laboratory Services, Illumina
Classification: Benign for Fraser syndrome 1. Last evaluated: 2018-01-13. Review status: criteria provided, single submitter. Criteria: ICSL Variant Classification Criteria 13 December 2019. Collection method: clinical testing. Allele origin: germline.
Comment: This variant was observed in the ICSL laboratory as part of a predisposition screen in an ostensibly healthy population. It had not been previously curated by ICSL or reported in the Human Gene Mutation Database (HGMD: prior to June 1st, 2018), and was therefore a candidate for classification through an automated scoring system. Utilizing variant allele frequency, disease prevalence and penetrance estimates, and inheritance mode, an automated score was calculated to assess if this variant is too frequent to cause the disease. Based on the score and internal cut-off values, a variant classified as benign is not then subjected to further curation. The score for this variant resulted in a classification of benign for this disease.

Breakthrough Genomics
Classification: Benign. Review status: criteria provided, single submitter. Criteria: ACMG Guidelines, 2015. Collection method: not provided. Allele origin: germline. Inheritance: Autosomal recessive inheritance. Affected: yes.

PreventionGenetics, part of Exact Sciences
Classification: Benign. Review status: criteria provided, single submitter. Criteria: ACMG Guidelines, 2015. Collection method: clinical testing. Allele origin: germline.

Diagnostic Laboratory, Department of Genetics, University Medical Center Groningen
Classification: Benign for Fraser syndrome 1. Review status: no assertion criteria provided. Collection method: clinical testing. Allele origin: germline. Affected: yes. Study: VKGL Data-share Consensus. Not counted in ClinVar's aggregate classification.

Dr. Peter K. Rogan Lab, Western University
No classification provided (evidence only). Condition: Familial cancer of breast. Review status: no classification provided. Collection method: in vitro. Allele origin: not applicable. Functional consequence: retained intron. Not counted in ClinVar's aggregate classification.

Genome Diagnostics Laboratory, University Medical Center Utrecht
Classification: Benign. Review status: no assertion criteria provided. Collection method: clinical testing. Allele origin: germline. Affected: yes. Study: VKGL Data-share Consensus. Not counted in ClinVar's aggregate classification.